The following is an entry in ClinVar:

NM_001164508.2(NEB):c.5451T>C (p.Asp1817=)

Gene: NEB (nebulin; minus strand). Cytogenetic location: 2q23.3.
Variant type: single nucleotide variant.
Coding change: c.5451T>C on transcript NM_001164508.2 (MANE Select); coding-DNA position 5451, T replaced by C.
Protein change: p.Asp1817=; no amino-acid change (aspartic acid 1817 retained).
Molecular consequence: synonymous variant.
Genome position (GRCh38, 1-based): chr2:151,664,501, A>G on the plus strand (T>C on the coding strand, the complement: NEB is on the minus strand). VCF-style: chr2-151664501-A-G. GRCh37 (hg19) VCF-style: chr2-152521015-A-G.
Other names: c.5451T>C, p.Asp1817= (NM_001164507.2, NM_001271208.2, NM_004543.5).
Identifiers: ClinVar variation 1908410 (VCV001908410.2), dbSNP rs368694337, ClinGen allele CA1910369.

ClinVar aggregate classification (germline): Uncertain significance (1 of 4 stars; one submission).

Conditions:
Nemaline myopathy 2 (NEM2). Also called: Nemaline myopathy 2, autosomal recessive. Identifiers: MedGen C1850569, MONDO:0009725, OMIM 256030.

Allele frequency attached by ClinVar (database versions not stated): gnomAD exomes below 0.00001; TOPMed below 0.00001; ExAC 0.00002; ESP Exome Variant Server 0.00008.
gnomAD v4.1: 4 of 1,578,150 alleles (0.00025%); highest among the groups gnomAD compares: Non-Finnish European, 0.00026%; no homozygotes.

Submission:

Labcorp Genetics (formerly Invitae), Labcorp
Classification: Uncertain significance for Nemaline myopathy 2. Last evaluated: 2021-04-22. Review status: criteria provided, single submitter. Criteria: Invitae Variant Classification Sherloc (09022015). Collection method: clinical testing. Allele origin: germline.
Comment: This sequence change affects codon 1817 of the NEB mRNA. It is a 'silent' change, meaning that it does not change the encoded amino acid sequence of the NEB protein. This variant is present in population databases (rs368694337, ExAC 0.02%). This variant has not been reported in the literature in individuals with NEB-related conditions. Algorithms developed to predict the effect of sequence changes on RNA splicing suggest that this variant is not likely to affect RNA splicing, but this prediction has not been confirmed by published transcriptional studies. In summary, the available evidence is currently insufficient to determine the role of this variant in disease. Therefore, it has been classified as a Variant of Uncertain Significance.